The following continues an entry in ClinVar:

NM_000257.4(MYH7):c.1816G>A (p.Val606Met)

Gene: MYH7. ClinVar aggregate classification (germline): Pathogenic. Pathogenic (25).

Submissions 23 to 33 of 33:

Agnes Ginges Centre for Molecular Cardiology, Centenary Institute
Classification: Pathogenic for Familial hypertrophic cardiomyopathy 1. Last evaluated: 2014-10-30. Review status: criteria provided, single submitter. Criteria: Agnes Ginges Centre for Molecular Cardiology criteria (2015). Collection method: research. Allele origin: germline. Inheritance: Autosomal dominant inheritance. Affected: yes.
Comment: This MYH7 Val606Met variant has previously been described in HCM patients. Co-segregation of this variant with disease has been demonstrated in multiple unrelated families, with complete disease penetrance observed in relatives of the proband (Watkins H., et al 1992; Fananapazir L., et al 1994; Havndrup O., et al 2001) . Disease manifestation associated with this variant are markedly variable amongst individuals and between unrelated families. Watkins H., et al (1992) report their family to have "near normal survival" whereas Havndrup O., et al (2001) report a family with the same MYH7 Val606Met mutation to have unfavourable outcomes with high risk of sudden cardiac death. We have observed the Val606Met mutation in two HCM families (Ingles J., et al 2005) and have shown that it segregates with disease. Therefore, this variant is categorised by our group as "pathogenic" based on available literature and familial segregation analysis where possible.

Stanford Center for Inherited Cardiovascular Disease, Stanford University
Classification: Pathogenic. Last evaluated: 2013-10-01. Review status: criteria provided, single submitter. Criteria: ACMG Guidelines, 2015. Collection method: provider interpretation. Allele origin: germline.

Clinical Genetics Service, Universitary Hospital 12 de Octubre
Classification: Pathogenic for Hypertrophic cardiomyopathy 1. Review status: criteria provided, single submitter. Criteria: ACMG Guidelines, 2015. Collection method: clinical testing. Allele origin: germline. Affected: yes.

Gharavi Laboratory, Columbia University
Classification: Pathogenic. Last evaluated: 2018-09-16. Review status: no assertion criteria provided. Criteria: ACMG Guidelines, 2015. Collection method: research. Allele origin: germline. Affected: yes. Not counted in ClinVar's aggregate classification.

OMIM
Classification: Pathogenic for CARDIOMYOPATHY, FAMILIAL HYPERTROPHIC, 1. Last evaluated: 2001-06-01. Review status: no assertion criteria provided. Collection method: literature only. Allele origin: germline. Not counted in ClinVar's aggregate classification.

Clinical Genetics DNA and cytogenetics Diagnostics Lab, Erasmus MC, Erasmus Medical Center
Classification: Pathogenic. Review status: no assertion criteria provided. Collection method: clinical testing. Allele origin: germline. Affected: yes. Study: VKGL Data-share Consensus. Not counted in ClinVar's aggregate classification.

Clinical Genetics, Academic Medical Center
Classification: Pathogenic. Review status: no assertion criteria provided. Collection method: clinical testing. Allele origin: germline. Affected: yes. Study: VKGL Data-share Consensus. Not counted in ClinVar's aggregate classification.

Diagnostic Laboratory, Department of Genetics, University Medical Center Groningen
Classification: Pathogenic. Review status: no assertion criteria provided. Collection method: clinical testing. Allele origin: germline. Affected: yes. Study: VKGL Data-share Consensus. Not counted in ClinVar's aggregate classification.

Genome Diagnostics Laboratory, University Medical Center Utrecht
Classification: Pathogenic. Review status: no assertion criteria provided. Collection method: clinical testing. Allele origin: germline. Affected: yes. Study: VKGL Data-share Consensus. Not counted in ClinVar's aggregate classification.

Joint Genome Diagnostic Labs from Nijmegen and Maastricht, Radboudumc and MUMC+
Classification: Pathogenic. Review status: no assertion criteria provided. Collection method: clinical testing. Allele origin: germline. Affected: yes. Study: VKGL Data-share Consensus. Not counted in ClinVar's aggregate classification.

Baylor Genetics
Classification: Pathogenic for Myosin storage myopathy. Last evaluated: 2022-04-27. Review status: flagged submission. Criteria: ACMG Guidelines, 2015. Collection method: clinical testing. Allele origin: unknown. Not counted in ClinVar's aggregate classification.
ClinVar note: Reason: This record appears to be redundant with a more recent record from the same submitter.
ClinVar note: Notes: SCV003835645 appears to be redundant with SCV003835646.

Literature cited by the submitters: PubMed 1552912 (cited by 6 submitters); PubMed 9271024 (cited by Labcorp Genetics (formerly Invitae), Labcorp); PubMed 11133230 (cited by Labcorp Genetics (formerly Invitae), Labcorp and Laboratory for Molecular Medicine, Mass General Brigham Personalized Medicine); PubMed 11377367 (cited by 4 submitters); PubMed 15858117 (cited by Labcorp Genetics (formerly Invitae), Labcorp); PubMed 20624503 (cited by Labcorp Genetics (formerly Invitae), Labcorp); PubMed 20819418 (cited by Labcorp Genetics (formerly Invitae), Labcorp and Laboratory for Molecular Medicine, Mass General Brigham Personalized Medicine); PubMed 24111713 (cited by 3 submitters); PubMed 9172070 (cited by 3 submitters); PubMed 9826622 (cited by 3 submitters); PubMed 18020371 (cited by Labcorp Genetics (formerly Invitae), Labcorp); PubMed 21769673 (cited by 3 submitters); PubMed 24829265 (cited by 5 submitters); PubMed 27247418 (cited by Ambry Genetics); PubMed 27483260 (cited by Ambry Genetics); PubMed 30775854 (cited by Ambry Genetics and Victorian Clinical Genetics Services, Murdoch Childrens Research Institute); PubMed 29300372 (cited by Victorian Clinical Genetics Services, Murdoch Childrens Research Institute); PubMed 7789380 (cited by Laboratory for Molecular Medicine, Mass General Brigham Personalized Medicine); PubMed 16199542 (cited by Laboratory for Molecular Medicine, Mass General Brigham Personalized Medicine and Agnes Ginges Centre for Molecular Cardiology, Centenary Institute); PubMed 11424919 (cited by 3 submitters); PubMed 12566107 (cited by Laboratory for Molecular Medicine, Mass General Brigham Personalized Medicine and Agnes Ginges Centre for Molecular Cardiology, Centenary Institute); PubMed 18411228 (cited by 3 submitters); PubMed 17383184 (cited by Laboratory for Molecular Medicine, Mass General Brigham Personalized Medicine and Women's Health and Genetics/Laboratory Corporation of America, LabCorp); PubMed 8335820 (cited by Laboratory for Molecular Medicine, Mass General Brigham Personalized Medicine); PubMed 8281650 (cited by 3 submitters); PubMed 8788376 (cited by Laboratory for Molecular Medicine, Mass General Brigham Personalized Medicine and Agnes Ginges Centre for Molecular Cardiology, Centenary Institute); PubMed 9058851 (cited by Laboratory for Molecular Medicine, Mass General Brigham Personalized Medicine); PubMed 12707239 (cited by Laboratory for Molecular Medicine, Mass General Brigham Personalized Medicine); PubMed 25558701 (cited by Women's Health and Genetics/Laboratory Corporation of America, LabCorp); PubMed 24835277 (cited by Women's Health and Genetics/Laboratory Corporation of America, LabCorp).